The following is an entry in ClinVar:

ClinVar aggregate classification (germline): Likely benign. Review status: criteria provided, multiple submitters, no conflicts (2 of 4 stars). 2 submissions from 2 submitters: Likely benign (2). Last evaluated 2025-11-19.

Conditions:
CEP290-related disorder. Also called: CEP290-related disorders; CEP290-related condition. Identifiers: MedGen CN239314.
Nephronophthisis. Also called: Juvenile Nephronophthisis. Identifiers: Orphanet 655, MedGen C0687120, MONDO:0019005, HP:0000090.
Meckel-Gruber syndrome. Also called: Dysencephalia splachnocystica; DYSENCEPHALIA SPLANCHNOCYSTICA; GRUBER SYNDROME. Identifiers: Orphanet 564, MedGen C0265215, MONDO:0018921.
Joubert syndrome. Also called: JOUBERT-BOLTSHAUSER SYNDROME; Familial aplasia of the vermis. Identifiers: Orphanet 475, MedGen C5979921, MONDO:0018772.

Allele frequency attached by ClinVar (database versions not stated): TOPMed below 0.00001.

Submissions (2):

PreventionGenetics, part of Exact Sciences
Classification: Likely benign for CEP290-related condition. Last evaluated: 2025-11-19. Review status: criteria provided, single submitter. Criteria: ACMG Guidelines, 2015. Collection method: clinical testing. Allele origin: germline.
Comment: This variant is classified as likely benign based on ACMG/AMP sequence variant interpretation guidelines (Richards et al. 2015 PMID: 25741868, with internal and published modifications).

Labcorp Genetics (formerly Invitae), Labcorp
Classification: Likely benign for Joubert syndrome; Meckel-Gruber syndrome; Nephronophthisis. Last evaluated: 2020-08-07. Review status: criteria provided, single submitter. Criteria: Invitae Variant Classification Sherloc (09022015). Collection method: clinical testing. Allele origin: germline.

NM_025114.4(CEP290):c.3558A>G (p.Gln1186=)

Gene: CEP290 (centrosomal protein 290; minus strand). Cytogenetic location: 12q21.32.
Variant type: single nucleotide variant.
Coding change: c.3558A>G on transcript NM_025114.4 (MANE Select); coding-DNA position 3558, A replaced by G.
Protein change: p.Gln1186=; no amino-acid change (glutamine 1186 retained).
Molecular consequence: synonymous variant.
Genome position (GRCh38, 1-based): chr12:88,090,743, T>C on the plus strand (A>G on the coding strand, the complement: CEP290 is on the minus strand). VCF-style: chr12-88090743-T-C. GRCh37 (hg19) VCF-style: chr12-88484520-T-C.
Other names: c.3558A>G (NM_025114.3).
Identifiers: ClinVar variation 1080464 (VCV001080464.10), dbSNP rs1189042096, ClinGen allele CA481077109.